The following is an entry in ClinVar:

ClinVar aggregate classification (germline): Uncertain significance (1 of 4 stars; one submission).

Conditions:
Hereditary cancer-predisposing syndrome. Also called: Hereditary Cancer Syndrome; Hereditary neoplastic syndrome; Tumor predisposition; Neoplastic Syndromes, Hereditary. Identifiers: Orphanet 140162, MedGen C0027672, MeSH D009386, MONDO:0015356.

Submission:

Ambry Genetics
Classification: Uncertain significance for Hereditary cancer-predisposing syndrome. Last evaluated: 2021-12-11. Review status: criteria provided, single submitter. Criteria: Ambry Variant Classification Scheme 2023. Collection method: clinical testing. Allele origin: germline.
Comment: The p.Q3361K variant (also known as c.10081C>A), located in coding exon 26 of the BRCA2 gene, results from a C to A substitution at nucleotide position 10081. The glutamine at codon 3361 is replaced by lysine, an amino acid with similar properties. This amino acid position is conserved. In addition, this alteration is predicted to be tolerated by in silico analysis. Since supporting evidence is limited at this time, the clinical significance of this alteration remains unclear.

NM_000059.4(BRCA2):c.10081C>A (p.Gln3361Lys)

Gene: BRCA2 (BRCA2 DNA repair associated; plus strand). Cytogenetic location: 13q13.1.
Variant type: single nucleotide variant.
Coding change: c.10081C>A on transcript NM_000059.4 (MANE Select); coding-DNA position 10081, C replaced by A.
Protein change: p.Gln3361Lys; replaces glutamine 3361 with lysine.
Molecular consequence: missense variant.
Genome position (GRCh38, 1-based): chr13:32,398,594, C>A. VCF-style: chr13-32398594-C-A. GRCh37 (hg19) VCF-style: chr13-32972731-C-A.
Other names: c.9985C>A, p.Gln3329Lys (NM_001406719.1); c.10030C>A, p.Gln3344Lys (NM_001406720.1); c.5149C>A, p.Gln1717Lys (NM_001406721.1); c.3664C>A, p.Gln1222Lys (NM_001406722.1); short protein forms Q1717K, Q3361K, Q1222K, Q3329K, Q3344K.
Identifiers: ClinVar variation 1788982 (VCV001788982.2), dbSNP rs2137666397, ClinGen allele CA387767929.